The following is an entry in ClinVar:

ClinVar aggregate classification (germline): Conflicting classifications of pathogenicity. Review status: criteria provided, conflicting classifications (1 of 4 stars). 3 submissions from 3 submitters: Uncertain significance (2); Likely benign (1). Last evaluated 2025-06-20.

Conditions:
Cardiovascular phenotype. Identifiers: MedGen CN230736.
Long QT syndrome (LQTS). Identifiers: MedGen C0023976, MeSH D008133, MONDO:0002442. Disease mechanism: loss of function. Inheritance: Various modes of inheritance.

Allele frequency attached by ClinVar (database versions not stated): TOPMed 0.00001.
gnomAD v4.1: 15 of 1,614,180 alleles (0.00093%); highest among the groups gnomAD compares: Admixed American, 0.025%; no homozygotes.

Submissions (3):

Labcorp Genetics (formerly Invitae), Labcorp
Classification: Uncertain significance for Long QT syndrome. Last evaluated: 2025-06-20. Review status: criteria provided, single submitter. Criteria: Invitae Variant Classification Sherloc (09022015). Collection method: clinical testing. Allele origin: germline.
Comment: This sequence change replaces serine, which is neutral and polar, with cysteine, which is neutral and slightly polar, at codon 3373 of the AKAP9 protein (p.Ser3373Cys). This variant is present in population databases (rs140470576, gnomAD 0.03%). This variant has not been reported in the literature in individuals affected with AKAP9-related conditions. ClinVar contains an entry for this variant (Variation ID: 234975). An algorithm developed to predict the effect of missense changes on protein structure and function (PolyPhen-2) suggests that this variant is likely to be disruptive. In summary, the available evidence is currently insufficient to determine the role of this variant in disease. Therefore, it has been classified as a Variant of Uncertain Significance.

Ambry Genetics
Classification: Likely benign for Cardiovascular phenotype. Last evaluated: 2023-04-18. Review status: criteria provided, single submitter. Criteria: Ambry Variant Classification Scheme 2023. Collection method: clinical testing. Allele origin: germline.

Stanford Center for Inherited Cardiovascular Disease, Stanford University
Classification: Uncertain significance. Last evaluated: 2014-12-03. Review status: criteria provided, single submitter. Criteria: ACMG Guidelines, 2015. Collection method: provider interpretation. Allele origin: germline.

NM_005751.5(AKAP9):c.10118C>G (p.Ser3373Cys)

Gene: AKAP9 (A-kinase anchoring protein 9; plus strand). Cytogenetic location: 7q21.2.
Variant type: single nucleotide variant.
Coding change: c.10118C>G on transcript NM_005751.5 (MANE Select); coding-DNA position 10118, C replaced by G.
Protein change: p.Ser3373Cys; replaces serine 3373 with cysteine.
Molecular consequence: missense variant.
Genome position (GRCh38, 1-based): chr7:92,097,077, C>G. VCF-style: chr7-92097077-C-G. GRCh37 (hg19) VCF-style: chr7-91726391-C-G.
Other names: c.4763C>G, p.Ser1588Cys (NM_001379277.1); c.10094C>G, p.Ser3365Cys (NM_147185.3); short protein forms S3373C, S3365C, S1588C.
Identifiers: ClinVar variation 234975 (VCV000234975.9), dbSNP rs140470576, ClinGen allele CA4337897.
Genomic context (GRCh38, chr7:92,097,077, plus strand): 5'-AGGAAAAACACAGTCGCATAGTAGAATTGTTAAATGAGACTGAAAAATATAAACTGGATT[C>G]TTTGCAAACACGACAGCAAATGGAAAAAGATAGGCAGGTTCACAGGAAAACACTGCAGAC-3'
Protein context (NP_005742.4, residues 3363-3383): LNETEKYKLD[Ser3373Cys]LQTRQQMEKD